The following is an entry in ClinVar:

NM_001611.5(ACP5):c.567G>T (p.Lys189Asn)

Gene: ACP5 (acid phosphatase 5, tartrate resistant; minus strand). Cytogenetic location: 19p13.2.
Variant type: single nucleotide variant.
Coding change: c.567G>T on transcript NM_001611.5 (MANE Select); coding-DNA position 567, G replaced by T.
Protein change: p.Lys189Asn; replaces lysine 189 with asparagine.
Molecular consequence: missense variant.
Genome position (GRCh38, 1-based): chr19:11,576,411, C>A on the plus strand (G>T on the coding strand, the complement: ACP5 is on the minus strand). VCF-style: chr19-11576411-C-A. GRCh37 (hg19) VCF-style: chr19-11687226-C-A.
Other names: c.567G>T, p.Lys189Asn (NM_001111035.3, NM_001111036.3, NM_001322023.2 and 1 more transcripts); short protein forms K189N.
Identifiers: ClinVar variation 2421427 (VCV002421427.7), dbSNP rs749180050, ClinGen allele CA9215386.

ClinVar aggregate classification (germline): Uncertain significance (1 of 4 stars; one submission).

Conditions:
Spondyloenchondrodysplasia with immune dysregulation (SPENCDI). Also called: ROIFMAN IMMUNOSKELETAL SYNDROME; SPONDYLOENCHONDRODYSPLASIA WITH OR WITHOUT IMMUNE DYSREGULATION; COMBINED IMMUNODEFICIENCY WITH AUTOIMMUNITY AND SPONDYLOMETAPHYSEAL DYSPLASIA. Identifiers: Orphanet 1855, MedGen C1842763, MONDO:0011939, OMIM 607944.

Allele frequency attached by ClinVar (database versions not stated): ExAC 0.00001; gnomAD 0.00001; gnomAD exomes 0.00001; TOPMed 0.00007.
gnomAD v4.1: 5 of 1,613,308 alleles (0.00031%); highest among the groups gnomAD compares: African/African-American, 0.0067%; no homozygotes.

Submission:

Labcorp Genetics (formerly Invitae), Labcorp
Classification: Uncertain significance for Spondyloenchondrodysplasia with immune dysregulation. Last evaluated: 2023-08-14. Review status: criteria provided, single submitter. Criteria: Invitae Variant Classification Sherloc (09022015). Collection method: clinical testing. Allele origin: germline.
Comment: This sequence change replaces lysine, which is basic and polar, with asparagine, which is neutral and polar, at codon 189 of the ACP5 protein (p.Lys189Asn). This variant is present in population databases (rs749180050, gnomAD 0.01%). This variant has not been reported in the literature in individuals affected with ACP5-related conditions. ClinVar contains an entry for this variant (Variation ID: 2421427). Advanced modeling of protein sequence and biophysical properties (such as structural, functional, and spatial information, amino acid conservation, physicochemical variation, residue mobility, and thermodynamic stability) performed at Invitae indicates that this missense variant is not expected to disrupt ACP5 protein function. In summary, the available evidence is currently insufficient to determine the role of this variant in disease. Therefore, it has been classified as a Variant of Uncertain Significance.